The following is an entry in ClinVar:

ClinVar aggregate classification (germline): Uncertain significance (1 of 4 stars; one submission).

Conditions:
Hereditary cancer-predisposing syndrome. Also called: Neoplastic Syndromes, Hereditary; Tumor predisposition; Hereditary Cancer Syndrome; Hereditary neoplastic syndrome. Identifiers: Orphanet 140162, MedGen C0027672, MeSH D009386, MONDO:0015356.

Submission:

Ambry Genetics
Classification: Uncertain significance for Hereditary cancer-predisposing syndrome. Last evaluated: 2025-12-16. Review status: criteria provided, single submitter. Criteria: Ambry Variant Classification Scheme 2023. Collection method: clinical testing. Allele origin: germline.
Comment: The p.G465A variant (also known as c.1394G>C), located in coding exon 8 of the DICER1 gene, results from a G to C substitution at nucleotide position 1394. The glycine at codon 465 is replaced by alanine, an amino acid with similar properties. This amino acid position is conserved. In addition, the in silico prediction for this alteration is inconclusive. Based on the available evidence, the clinical significance of this variant remains unclear.

NM_177438.3(DICER1):c.1394G>C (p.Gly465Ala)

Gene: DICER1 (dicer 1, ribonuclease III; minus strand). Cytogenetic location: 14q32.13.
Variant type: single nucleotide variant.
Coding change: c.1394G>C on transcript NM_177438.3 (MANE Select); coding-DNA position 1394, G replaced by C.
Protein change: p.Gly465Ala; replaces glycine 465 with alanine.
Molecular consequence: missense variant. On other transcripts: 5 prime UTR variant (1), non-coding transcript variant (6).
Genome position (GRCh38, 1-based): chr14:95,117,737, C>G on the plus strand (G>C on the coding strand, the complement: DICER1 is on the minus strand). VCF-style: chr14-95117737-C-G. GRCh37 (hg19) VCF-style: chr14-95584074-C-G.
Other names: c.1394G>C, p.Gly465Ala (NM_001271282.3, NM_001291628.2, NM_001395677.1 and 12 more transcripts); c.989G>C, p.Gly330Ala (NM_001395696.1, NM_001395698.1, NM_001395690.1 and 3 more transcripts); c.-175G>C (NM_001395697.1); c.827G>C, p.Gly276Ala (NM_001395691.1); c.1112G>C, p.Gly371Ala (NM_001395686.1); short protein forms G276A, G465A, G330A, G371A.
Identifiers: ClinVar variation 4843069 (VCV004843069.1).